The following is an entry in ClinVar:

NM_004415.4(DSP):c.130C>T (p.Arg44Trp)

Genes: DSP-AS1 (DSP antisense RNA 1; minus strand), DSP (desmoplakin; plus strand). Cytogenetic location: 6p24.3.
Variant type: single nucleotide variant.
Coding change: c.130C>T on transcript NM_004415.4 (MANE Select); coding-DNA position 130, C replaced by T.
Protein change: p.Arg44Trp; replaces arginine 44 with tryptophan.
Molecular consequence: missense variant.
Genome position (GRCh38, 1-based): chr6:7,542,045, C>T. VCF-style: chr6-7542045-C-T. GRCh37 (hg19) VCF-style: chr6-7542278-C-T.
Other names: p.Arg44Trp; c.130C>T, p.Arg44Trp (NM_001008844.3, NM_001319034.2); short protein forms R44W.
Identifiers: ClinVar variation 923953 (VCV000923953.16), dbSNP rs1255744065, ClinGen allele CA362675902.

ClinVar aggregate classification (germline): Conflicting classifications of pathogenicity. Review status: criteria provided, conflicting classifications (1 of 4 stars). 5 submissions from 5 submitters: Uncertain significance (4); Likely benign (1). Last evaluated 2025-12-08.

Conditions:
Cardiomyopathy (CMYO). Also called: Cardiomyopathies. Identifiers: Orphanet 167848, MedGen C0878544, MONDO:0004994, HP:0001638. Inheritance: Various modes of inheritance.
Arrhythmogenic cardiomyopathy with wooly hair and keratoderma. Also called: PALMOPLANTAR KERATODERMA WITH LEFT VENTRICULAR CARDIOMYOPATHY AND WOOLLY HAIR; Carvajal syndrome; Dilated cardiomyopathy with woolly hair and keratoderma; Arrhythmogenic cardiomyopathy with woolly hair and keratoderma. Identifiers: Orphanet 65282, MedGen C1854063, MONDO:0011581, OMIM 605676.
Cardiovascular phenotype. Identifiers: MedGen CN230736.
Arrhythmogenic right ventricular dysplasia 8 (ARVD8). Also called: Arrhythmogenic Right Ventricular Dysplasia/Cardiomyopathy 8; ARRHYTHMOGENIC RIGHT VENTRICULAR DYSPLASIA, FAMILIAL, 8; ARRHYTHMOGENIC RIGHT VENTRICULAR CARDIOMYOPATHY 8. Identifiers: MedGen C1843896, MONDO:0011831, OMIM 607450.

Allele frequency attached by ClinVar (database versions not stated): gnomAD exomes 0.00001; gnomAD 0.00002; TOPMed 0.00002.

Submissions (5):

Labcorp Genetics (formerly Invitae), Labcorp
Classification: Likely benign for Arrhythmogenic cardiomyopathy with wooly hair and keratoderma; Arrhythmogenic right ventricular dysplasia 8. Last evaluated: 2025-12-08. Review status: criteria provided, single submitter. Criteria: Invitae Variant Classification Sherloc (09022015). Collection method: clinical testing. Allele origin: germline.

All of Us Research Program, National Institutes of Health
Classification: Uncertain significance for Arrhythmogenic cardiomyopathy with wooly hair and keratoderma. Last evaluated: 2024-08-06. Review status: criteria provided, single submitter. Criteria: ACMG Guidelines, 2015. Collection method: clinical testing. Allele origin: germline. Inheritance: Autosomal dominant inheritance. Observed: 4 variant alleles, 4 heterozygotes.
Comment: This missense variant replaces arginine with tryptophan at codon 44 of the DSP protein. Computational prediction suggests that this variant may not impact protein structure and function (internally defined REVEL score threshold <= 0.5, PMID: 27666373). To our knowledge, functional studies have not been reported for this variant. This variant has been reported in an individual affected with arrhythmogenic cardiomyopathy (PMID: 33652588). This variant has been identified in 2/177516 chromosomes in the general population by the Genome Aggregation Database (gnomAD). The available evidence is insufficient to determine the role of this variant in disease conclusively. Therefore, this variant is classified as a Variant of Uncertain Significance.

This study involves interpretation of variants in research participants for the purpose of population health screening. Participant phenotype was not available at the time of variant classification. Additional details can be found in publication PMID: 35346344, PMCID: PMC8962531

Mayo Clinic Laboratories, Mayo Clinic
Classification: Uncertain significance. Last evaluated: 2024-06-28. Review status: criteria provided, single submitter. Criteria: ACMG Guidelines, 2015. Collection method: clinical testing. Allele origin: germline. Observed: 1 variant allele.

Color Diagnostics, LLC DBA Color Health
Classification: Uncertain significance for Cardiomyopathy. Last evaluated: 2024-06-13. Review status: criteria provided, single submitter. Criteria: ACMG Guidelines, 2015. Collection method: clinical testing. Allele origin: germline.
Comment: This missense variant replaces arginine with tryptophan at codon 44 of the DSP protein. Computational prediction suggests that this variant may not impact protein structure and function (internally defined REVEL score threshold <= 0.5, PMID: 27666373). To our knowledge, functional studies have not been reported for this variant. This variant has been reported in an individual affected with arrhythmogenic cardiomyopathy (PMID: 33652588). This variant has been identified in 2/177516 chromosomes in the general population by the Genome Aggregation Database (gnomAD). The available evidence is insufficient to determine the role of this variant in disease conclusively. Therefore, this variant is classified as a Variant of Uncertain Significance.

Ambry Genetics
Classification: Uncertain significance for Cardiovascular phenotype. Last evaluated: 2024-05-19. Review status: criteria provided, single submitter. Criteria: Ambry Variant Classification Scheme 2023. Collection method: clinical testing. Allele origin: germline.
Comment: The p.R44W variant (also known as c.130C>T), located in coding exon 1 of the DSP gene, results from a C to T substitution at nucleotide position 130. The arginine at codon 44 is replaced by tryptophan, an amino acid with dissimilar properties. This variant has been detected in an individual reported to have possible arrhythmogenic cardiomyopathy; however, details were limited (Vallverd&uacute;-Prats M et al. J Pers Med. 2021 Feb;11(3)). This amino acid position is well conserved in available vertebrate species. In addition, this alteration is predicted to be tolerated by in silico analysis. Since supporting evidence is limited at this time, the clinical significance of this alteration remains unclear.

Literature cited by the submitters: PubMed 33652588 (cited by All of Us Research Program, National Institutes of Health and Color Diagnostics, LLC DBA Color Health).